The following is an entry in ClinVar:

ClinVar aggregate classification (germline): Pathogenic. Review status: reviewed by expert panel (3 of 4 stars). 6 submissions from 6 submitters: Pathogenic (1). 5 of the submissions do not count toward it. Last evaluated 2016-10-18.

Conditions:
Hereditary breast ovarian cancer syndrome. Also called: Hereditary breast and ovarian cancer syndrome; Hereditary breast and ovarian cancer; Hereditary breast and ovarian cancer syndrome (HBOC); Breast and ovarian cancer; Hereditary breast and/or ovarian cancer syndrome; BRCA1- and BRCA2-Associated Hereditary Breast and Ovarian Cancer. Identifiers: Orphanet 145, MedGen C0677776, MeSH D061325, MONDO:0003582. Disease mechanism: loss of function.
Breast-ovarian cancer, familial, susceptibility to, 2 (BROVCA2). Also called: BRCA2 Hereditary Breast and Ovarian Cancer. Identifiers: Orphanet 145, MedGen C2675520, MONDO:0012933, OMIM 612555. Disease mechanism: loss of function.

Submissions (6):

Evidence-based Network for the Interpretation of Germline Mutant Alleles (ENIGMA)
Classification: Pathogenic for Breast-ovarian cancer, familial, susceptibility to, 2. Last evaluated: 2016-10-18. Review status: reviewed by expert panel. Criteria: ENIGMA BRCA1/2 Classification Criteria (2015). Collection method: curation. Allele origin: germline.
Comment: Variant allele predicted to encode a truncated non-functional protein.

Labcorp Genetics (formerly Invitae), Labcorp
Classification: Pathogenic for Hereditary breast ovarian cancer syndrome. Last evaluated: 2025-08-30. Review status: criteria provided, single submitter. Criteria: Invitae Variant Classification Sherloc (09022015). Collection method: clinical testing. Allele origin: germline. Not counted in ClinVar's aggregate classification.
Comment: This sequence change creates a premature translational stop signal (p.Glu2020*) in the BRCA2 gene. It is expected to result in an absent or disrupted protein product. Loss-of-function variants in BRCA2 are known to be pathogenic (PMID: 20104584). This variant is not present in population databases (gnomAD no frequency). This premature translational stop signal has been observed in individual(s) with personal and/or family history of breast and/or ovarian cancer (PMID: 20104584, 29446198). ClinVar contains an entry for this variant (Variation ID: 51996). For these reasons, this variant has been classified as Pathogenic.

Quest Diagnostics Nichols Institute San Juan Capistrano
Classification: Pathogenic. Last evaluated: 2023-05-15. Review status: criteria provided, single submitter. Criteria: Quest Diagnostics criteria. Collection method: clinical testing. Allele origin: unknown. Not counted in ClinVar's aggregate classification.
Comment: This nonsense variant causes the premature termination of BRCA2 protein synthesis. This variant has not been reported in large, multi-ethnic general populations. In the published literature, the variant has been reported in an affected family with breast cancer (PMID: 20104584 (2010)). Based on the available information, this variant is classified as pathogenic.

Clinical Genetics and Genomics, Karolinska University Hospital
Classification: Pathogenic. Last evaluated: 2018-05-23. Review status: criteria provided, single submitter. Criteria: ACMG Guidelines, 2015. Collection method: clinical testing. Allele origin: germline. Affected: yes. Observed: 1 variant allele. Not counted in ClinVar's aggregate classification.

Consortium of Investigators of Modifiers of BRCA1/2 (CIMBA), c/o University of Cambridge
Classification: Pathogenic for Breast-ovarian cancer, familial, susceptibility to, 2. Last evaluated: 2015-10-02. Review status: criteria provided, single submitter. Criteria: CIMBA Mutation Classification guidelines May 2016. Collection method: clinical testing. Allele origin: germline. Not counted in ClinVar's aggregate classification.

BRCAlab, Lund University
Classification: Pathogenic for Breast-ovarian cancer, familial, susceptibility to, 2. Last evaluated: 2020-03-02. Review status: no assertion criteria provided. Collection method: clinical testing. Allele origin: germline. Affected: yes. Not counted in ClinVar's aggregate classification.

Literature cited by the submitters: PubMed 20104584 (cited by Labcorp Genetics (formerly Invitae), Labcorp and Quest Diagnostics Nichols Institute San Juan Capistrano); PubMed 29446198 (cited by Labcorp Genetics (formerly Invitae), Labcorp and Quest Diagnostics Nichols Institute San Juan Capistrano).

NM_000059.4(BRCA2):c.6058G>T (p.Glu2020Ter)

Gene: BRCA2 (BRCA2 DNA repair associated; plus strand). Cytogenetic location: 13q13.1.
Variant type: single nucleotide variant.
Coding change: c.6058G>T on transcript NM_000059.4 (MANE Select); coding-DNA position 6058, G replaced by T.
Protein change: p.Glu2020Ter; replaces glutamic acid 2020 with a stop codon.
Molecular consequence: nonsense.
Genome position (GRCh38, 1-based): chr13:32,340,413, G>T. VCF-style: chr13-32340413-G-T. GRCh37 (hg19) VCF-style: chr13-32914550-G-T.
Other names: 6286G>T; short protein forms E2020*.
Identifiers: ClinVar variation 51996 (VCV000051996.9), dbSNP rs80358842, ClinGen allele CA023579.